The following is an entry in ClinVar:

ClinVar aggregate classification (germline): Uncertain significance. Review status: criteria provided, multiple submitters, no conflicts (2 of 4 stars). 3 submissions from 3 submitters: Uncertain significance (3). Last evaluated 2025-05-13.

Allele frequency attached by ClinVar (database versions not stated): gnomAD 0.00004; gnomAD exomes 0.00004; TOPMed 0.00005; ExAC 0.00011.

Submissions (3):

GeneDx
Classification: Uncertain significance. Last evaluated: 2025-05-13. Review status: criteria provided, single submitter. Criteria: GeneDx Variant Classification Process June 2021. Collection method: clinical testing. Allele origin: germline. Affected: yes.
Comment: Not observed at significant frequency in large population cohorts (gnomAD); In silico analysis supports that this missense variant has a deleterious effect on protein structure/function; Has not been previously published as pathogenic or benign to our knowledge

Blueprint Genetics
Classification: Uncertain significance. Last evaluated: 2024-11-06. Review status: criteria provided, single submitter. Criteria: ACMG Guidelines, 2015. Collection method: clinical testing. Allele origin: germline.

Labcorp Genetics (formerly Invitae), Labcorp
Classification: Uncertain significance. Last evaluated: 2022-08-22. Review status: criteria provided, single submitter. Criteria: Invitae Variant Classification Sherloc (09022015). Collection method: clinical testing. Allele origin: germline.
Comment: This sequence change replaces alanine, which is neutral and non-polar, with threonine, which is neutral and polar, at codon 153 of the NDUFV1 protein (p.Ala153Thr). This variant is present in population databases (rs748448861, gnomAD 0.01%). This variant has not been reported in the literature in individuals affected with NDUFV1-related conditions. ClinVar contains an entry for this variant (Variation ID: 214855). Algorithms developed to predict the effect of missense changes on protein structure and function are either unavailable or do not agree on the potential impact of this missense change (SIFT: "Tolerated"; PolyPhen-2: "Possibly Damaging"; Align-GVGD: "Class C0"). In summary, the available evidence is currently insufficient to determine the role of this variant in disease. Therefore, it has been classified as a Variant of Uncertain Significance.

NM_007103.4(NDUFV1):c.457G>A (p.Ala153Thr)

Gene: NDUFV1 (NADH:ubiquinone oxidoreductase core subunit V1; plus strand). Cytogenetic location: 11q13.2.
Variant type: single nucleotide variant.
Coding change: c.457G>A on transcript NM_007103.4 (MANE Select); coding-DNA position 457, G replaced by A.
Protein change: p.Ala153Thr; replaces alanine 153 with threonine.
Molecular consequence: missense variant.
Genome position (GRCh38, 1-based): chr11:67,609,582, G>A. VCF-style: chr11-67609582-G-A. GRCh37 (hg19) VCF-style: chr11-67377053-G-A.
Other names: p.A153T:GCT>ACT; c.430G>A, p.Ala144Thr (NM_001166102.2); short protein forms A153T, A144T.
Identifiers: ClinVar variation 214855 (VCV000214855.8), dbSNP rs748448861, ClinGen allele CA321903.